The following is an entry in ClinVar:

ClinVar aggregate classification (germline): Likely pathogenic (1 of 4 stars; one submission).

Conditions:
AHDC1-related intellectual disability - obstructive sleep apnea - mild dysmorphism syndrome. Also called: Xia-Gibbs syndrome. Identifiers: Orphanet 412069, MedGen C4014419, MONDO:0014358, OMIM 615829.

Submission:

Laboratory of Human Genetics, Universidade de São Paulo
Classification: Likely pathogenic for AHDC1-related intellectual disability - obstructive sleep apnea - mild dysmorphism syndrome. Last evaluated: 2024-02-19. Review status: criteria provided, single submitter. Criteria: ACMG Guidelines, 2015. Collection method: clinical testing. Allele origin: de novo. Affected: yes. Observed: 1 heterozygote.
Comment: PVS1, PM2

NM_001371928.1(AHDC1):c.2024_2025del (p.Phe675fs)

Gene: AHDC1 (AT-hook DNA binding motif containing 1; minus strand). Cytogenetic location: 1p36.11.
Variant type: Deletion.
Coding change: c.2024_2025del on transcript NM_001371928.1 (MANE Select); coding-DNA positions 2024 to 2025, 2 bases deleted (TT; older notation c.2024_2025delTT).
Protein change: p.Phe675fs; shifts the reading frame from phenylalanine 675.
Molecular consequence: frameshift variant.
Genome position (GRCh38, 1-based): chr1:27,550,091-27,550,092, AA deleted on the plus strand (TT on the coding strand, the reverse complement: AHDC1 is on the minus strand); deleting any 2 consecutive bases within chr1:27,550,091-27,550,094 gives the same sequence; the c. name uses the placement nearest the transcript's 3' end. VCF-style (leftmost placement, unchanged base first): chr1-27550090-CAA-C. GRCh37 (hg19) VCF-style: chr1-27876601-CAA-C.
Other names: p.Phe675TrpfsTer18; c.2024_2025del, p.Phe675fs (NM_001029882.3); short protein forms F675fs.
Identifiers: ClinVar variation 3338653 (VCV003338653.2).